The following is an entry in ClinVar:

ClinVar aggregate classification (germline): Likely pathogenic (1 of 4 stars; one submission).

gnomAD v4.1: 1 of 1,611,058 alleles (0.000062%); highest among the groups gnomAD compares: Non-Finnish European, 0.000085%; no homozygotes.

Submission:

Labcorp Genetics (formerly Invitae), Labcorp
Classification: Likely pathogenic. Last evaluated: 2023-05-15. Review status: criteria provided, single submitter. Criteria: Invitae Variant Classification Sherloc (09022015). Collection method: clinical testing. Allele origin: germline.
Comment: This sequence change affects a donor splice site in intron 5 of the CTNNA1 gene. It is expected to disrupt RNA splicing. Variants that disrupt the donor or acceptor splice site typically lead to a loss of protein function (PMID: 16199547), and loss-of-function variants in CTNNA1 are known to be pathogenic (PMID: 32051609, 34425242). This variant is not present in population databases (gnomAD no frequency). This variant has not been reported in the literature in individuals affected with CTNNA1-related conditions. ClinVar contains an entry for this variant (Variation ID: 1389644). Algorithms developed to predict the effect of sequence changes on RNA splicing suggest that this variant may disrupt the consensus splice site. In summary, the currently available evidence indicates that the variant is pathogenic, but additional data are needed to prove that conclusively. Therefore, this variant has been classified as Likely Pathogenic.

Literature cited by the submitters: PubMed 16199547; PubMed 32051609; PubMed 34425242.

NM_001903.5(CTNNA1):c.588+1G>A

Gene: CTNNA1 (catenin alpha 1; plus strand). Cytogenetic location: 5q31.2.
Variant type: single nucleotide variant.
Coding change: c.588+1G>A on transcript NM_001903.5 (MANE Select); the canonical splice donor site of the intron after coding-DNA position 588, G replaced by A.
Molecular consequence: splice donor variant.
Genome position (GRCh38, 1-based): chr5:138,812,303, G>A. VCF-style: chr5-138812303-G-A. GRCh37 (hg19) VCF-style: chr5-138147992-G-A.
Other names: c.588+1G>A (NM_001323982.2, NM_001323984.2, NM_001290307.3 and 3 more transcripts); c.219+1G>A (NM_001290310.3); c.279+1G>A (NM_001290309.3).
Identifiers: ClinVar variation 1389644 (VCV001389644.6), dbSNP rs2149736920, ClinGen allele CA361125739.